The following is an entry in ClinVar:

ClinVar aggregate classification (germline): Uncertain significance (1 of 4 stars; one submission).

Conditions:
Dyskeratosis congenita. Identifiers: Orphanet 1775, MedGen C0265965, MONDO:0015780.

Submission:

Labcorp Genetics (formerly Invitae), Labcorp
Classification: Uncertain significance for Dyskeratosis congenita. Last evaluated: 2025-01-05. Review status: criteria provided, single submitter. Criteria: Invitae Variant Classification Sherloc (09022015). Collection method: clinical testing. Allele origin: germline.
Comment: This sequence change replaces arginine, which is basic and polar, with glutamine, which is neutral and polar, at codon 74 of the TINF2 protein (p.Arg74Gln). This variant is not present in population databases (gnomAD no frequency). This variant has not been reported in the literature in individuals affected with TINF2-related conditions. An algorithm developed to predict the effect of missense changes on protein structure and function outputs the following: PolyPhen-2: "Benign". The glutamine amino acid residue is found in multiple mammalian species, which suggests that this missense change does not adversely affect protein function. In summary, the available evidence is currently insufficient to determine the role of this variant in disease. Therefore, it has been classified as a Variant of Uncertain Significance.

NM_001099274.3(TINF2):c.221G>A (p.Arg74Gln)

Gene: TINF2 (TERF1 interacting nuclear factor 2; minus strand). Cytogenetic location: 14q12.
Variant type: single nucleotide variant.
Coding change: c.221G>A on transcript NM_001099274.3 (MANE Select); coding-DNA position 221, G replaced by A.
Protein change: p.Arg74Gln; replaces arginine 74 with glutamine.
Molecular consequence: missense variant. On other transcripts: intron variant (1).
Genome position (GRCh38, 1-based): chr14:24,241,966, C>T on the plus strand (G>A on the coding strand, the complement: TINF2 is on the minus strand). VCF-style: chr14-24241966-C-T. GRCh37 (hg19) VCF-style: chr14-24711172-C-T.
Other names: c.221G>A, p.Arg74Gln (NM_012461.3); c.192+175G>A (NM_001363668.2); short protein forms R74Q.
Identifiers: ClinVar variation 3666153 (VCV003666153.2).
Genomic context (GRCh38, chr14:24,241,966, plus strand): 5'-ACTATAGGTCCAGATTCTGGAAAGTGGTGATTCAGGGCTTTCAGGACTTGGGCCCAAGGC[C>T]GGCCCTGCAGGATCAGCTCCACCACCACCTGTACGGTACTGAATTCAGAATCCCCACTTC-3'
Protein context (NP_001092744.1, residues 64-84): KVVVELILQG[Arg74Gln]PWAQVLKALN